The following is an entry in ClinVar:

NM_000174.5(GP9):c.307C>T (p.Arg103Cys)

Gene: GP9 (glycoprotein IX platelet; plus strand). Cytogenetic location: 3q21.3.
Variant type: single nucleotide variant.
Coding change: c.307C>T on transcript NM_000174.5 (MANE Select); coding-DNA position 307, C replaced by T.
Protein change: p.Arg103Cys; replaces arginine 103 with cysteine.
Molecular consequence: missense variant.
Genome position (GRCh38, 1-based): chr3:129,062,046, C>T. VCF-style: chr3-129062046-C-T. GRCh37 (hg19) VCF-style: chr3-128780889-C-T.
Other names: short protein forms R103C.
Identifiers: ClinVar variation 3715707 (VCV003715707.2).

ClinVar aggregate classification (germline): Uncertain significance. Review status: criteria provided, multiple submitters, no conflicts (2 of 4 stars). 2 submissions from 2 submitters: Uncertain significance (2). Last evaluated 2024-10-17.

gnomAD v4.1: 79 of 1,613,028 alleles (0.0049%); highest among the groups gnomAD compares: South Asian, 0.06%; no homozygotes.

Submissions (2):

Labcorp Genetics (formerly Invitae), Labcorp
Classification: Uncertain significance. Last evaluated: 2024-10-17. Review status: criteria provided, single submitter. Criteria: Invitae Variant Classification Sherloc (09022015). Collection method: clinical testing. Allele origin: germline.
Comment: This sequence change replaces arginine, which is basic and polar, with cysteine, which is neutral and slightly polar, at codon 103 of the GP9 protein (p.Arg103Cys). This variant is present in population databases (rs555017924, gnomAD 0.07%). This variant has not been reported in the literature in individuals affected with GP9-related conditions. An algorithm developed to predict the effect of missense changes on protein structure and function (PolyPhen-2) suggests that this variant is likely to be disruptive. In summary, the available evidence is currently insufficient to determine the role of this variant in disease. Therefore, it has been classified as a Variant of Uncertain Significance.

Blueprint Genetics
Classification: Uncertain significance. Last evaluated: 2024-09-12. Review status: criteria provided, single submitter. Criteria: ACMG Guidelines, 2015. Collection method: clinical testing. Allele origin: germline.